The following is an entry in ClinVar:

ClinVar aggregate classification (germline): Likely pathogenic (1 of 4 stars; one submission).

Conditions:
Intellectual developmental disorder, X-linked, syndromic, Houge type. Also called: MENTAL RETARDATION, X-LINKED, SYNDROMIC, HOUGE TYPE; Intellectual disability, X-linked, syndromic, Houge type. Identifiers: MedGen C4538788, MONDO:0030909, OMIM 301008.

Submission:

3billion
Classification: Likely pathogenic for Intellectual developmental disorder, X-linked, syndromic, Houge type. Last evaluated: 2024-07-17. Review status: criteria provided, single submitter. Criteria: ACMG Guidelines, 2015. Collection method: clinical testing. Allele origin: germline. Affected: yes.
Comment: The variant is not observed in the gnomAD v4.0.0 dataset. Predicted Consequence/Location: Frameshift: predicted to result in a loss or disruption of normal protein function through nonsense-mediated decay (NMD) or protein truncation. Multiple pathogenic variants are reported downstream of the variant. Therefore, this variant is classified as Likely pathogenic according to the recommendation of ACMG/AMP guideline.

NM_014927.5(CNKSR2):c.2366del (p.Leu789fs)

Gene: CNKSR2 (connector enhancer of kinase suppressor of Ras 2; plus strand). Cytogenetic location: Xp22.12.
Variant type: Deletion.
Coding change: c.2366del on transcript NM_014927.5 (MANE Select); coding-DNA position 2366, one base deleted (T; older notation c.2366delT).
Protein change: p.Leu789fs; shifts the reading frame from leucine 789.
Molecular consequence: frameshift variant.
Genome position (GRCh38, 1-based): chrX:21,609,291, T deleted. VCF-style (leftmost placement, unchanged base first): chrX-21609290-CT-C. GRCh37 (hg19) VCF-style: chrX-21627408-CT-C.
Other names: c.2276del, p.Leu759fs (NM_001168647.3, NM_001330773.2); c.2366del, p.Leu789fs (NM_001168648.3); c.2219del, p.Leu740fs (NM_001168649.3, NM_001330770.2); c.2129del, p.Leu710fs (NM_001330771.2, NM_001330772.2); short protein forms L710fs, L740fs, L759fs, L789fs.
Identifiers: ClinVar variation 4293977 (VCV004293977.1).